The following is an entry in ClinVar:

ClinVar aggregate classification (germline): Uncertain significance. Review status: criteria provided, multiple submitters, no conflicts (2 of 4 stars). 2 submissions from 2 submitters: Uncertain significance (2). Last evaluated 2025-03-08.

Conditions:
Cardiovascular phenotype. Identifiers: MedGen CN230736.

gnomAD v4.1: 2 of 1,452,208 alleles (0.00014%); highest among the groups gnomAD compares: Non-Finnish European, 0.00009%; no homozygotes.

Submissions (2):

Labcorp Genetics (formerly Invitae), Labcorp
Classification: Uncertain significance. Last evaluated: 2025-03-08. Review status: criteria provided, single submitter. Criteria: Invitae Variant Classification Sherloc (09022015). Collection method: clinical testing. Allele origin: germline.
Comment: This sequence change replaces arginine, which is basic and polar, with proline, which is neutral and non-polar, at codon 218 of the ALPK3 protein (p.Arg218Pro). This variant is present in population databases (no rsID available, gnomAD 0.02%). This variant has not been reported in the literature in individuals affected with ALPK3-related conditions. ClinVar contains an entry for this variant (Variation ID: 2624483). An algorithm developed to predict the effect of missense changes on protein structure and function (PolyPhen-2) suggests that this variant is likely to be disruptive. In summary, the available evidence is currently insufficient to determine the role of this variant in disease. Therefore, it has been classified as a Variant of Uncertain Significance.

Ambry Genetics
Classification: Uncertain significance for Cardiovascular phenotype. Last evaluated: 2023-09-08. Review status: criteria provided, single submitter. Criteria: Ambry Variant Classification Scheme 2023. Collection method: clinical testing. Allele origin: germline.
Comment: The p.R218P variant (also known as c.653G>C), located in coding exon 1 of the ALPK3 gene, results from a G to C substitution at nucleotide position 653. The arginine at codon 218 is replaced by proline, an amino acid with dissimilar properties. This amino acid position is conserved. In addition, the in silico prediction for this alteration is inconclusive. Since supporting evidence is limited at this time, the clinical significance of this alteration remains unclear.

NM_020778.5(ALPK3):c.47G>C (p.Arg16Pro)

Gene: ALPK3 (alpha kinase 3; plus strand). Cytogenetic location: 15q25.3.
Variant type: single nucleotide variant.
Coding change: c.47G>C on transcript NM_020778.5 (MANE Select); coding-DNA position 47, G replaced by C.
Protein change: p.Arg16Pro; replaces arginine 16 with proline.
Molecular consequence: missense variant.
Genome position (GRCh38, 1-based): chr15:84,817,499, G>C. VCF-style: chr15-84817499-G-C. GRCh37 (hg19) VCF-style: chr15-85360730-G-C.
Other names: short protein forms R16P.
Identifiers: ClinVar variation 2624483 (VCV002624483.3), dbSNP rs1254872638, ClinGen allele CA393369352.
Genomic context (GRCh38, chr15:84,817,499, plus strand): 5'-GGGAGGGCGGTGCCATGGGGTCGCGGAGGGCCCCCAGCCGGGGCTGGGGCGCGGGTGGGC[G>C]GTCGGGGGCGGGGGGCGACGGTGAGGACGACGGCCCCGTGTGGATCCCCAGCCCAGCCAG-3'
Protein context (NP_065829.4, residues 6-26): APSRGWGAGG[Arg16Pro]SGAGGDGEDD